The following is an entry in ClinVar:

NM_001291303.3(FAT4):c.5942A>T (p.Tyr1981Phe)

Gene: FAT4 (FAT atypical cadherin 4; plus strand). Cytogenetic location: 4q28.1.
Variant type: single nucleotide variant.
Coding change: c.5942A>T on transcript NM_001291303.3 (MANE Select); coding-DNA position 5942, A replaced by T.
Protein change: p.Tyr1981Phe; replaces tyrosine 1981 with phenylalanine.
Molecular consequence: missense variant.
Genome position (GRCh38, 1-based): chr4:125,414,905, A>T. VCF-style: chr4-125414905-A-T. GRCh37 (hg19) VCF-style: chr4-126336060-A-T.
Other names: c.5942A>T, p.Tyr1981Phe (NM_001291285.3, NM_024582.6); short protein forms Y1981F.
Identifiers: ClinVar variation 2005019 (VCV002005019.4), dbSNP rs769242208, ClinGen allele CA358126531.
Genomic context (GRCh38, chr4:125,414,905, plus strand): 5'-CATATGTTTAAGAAAATTTTTTCTTCCCTTTAATTTCAGGCATCAACTCTCAATTGACTT[A>T]TAGCATTGCTTCAGGTGATAGCCTTGGGCAGTTTACTGTTGACAAGAATGGTGTACTCAA-3'
Protein context (NP_001278232.1, residues 1971-1991): ADDGINSQLT[Tyr1981Phe]SIASGDSLGQ

ClinVar aggregate classification (germline): Uncertain significance (1 of 4 stars; one submission).

gnomAD v4.1: 3 of 1,601,432 alleles (0.00019%); highest among the groups gnomAD compares: Non-Finnish European, 0.00026%; no homozygotes.

Submission:

Labcorp Genetics (formerly Invitae), Labcorp
Classification: Uncertain significance. Last evaluated: 2022-09-19. Review status: criteria provided, single submitter. Criteria: Invitae Variant Classification Sherloc (09022015). Collection method: clinical testing. Allele origin: germline.
Comment: Algorithms developed to predict the effect of missense changes on protein structure and function output the following: SIFT: "Tolerated"; PolyPhen-2: "Benign"; Align-GVGD: "Class C0". The phenylalanine amino acid residue is found in multiple mammalian species, which suggests that this missense change does not adversely affect protein function. In summary, the available evidence is currently insufficient to determine the role of this variant in disease. Therefore, it has been classified as a Variant of Uncertain Significance. This variant has not been reported in the literature in individuals affected with FAT4-related conditions. This variant is not present in population databases (gnomAD no frequency). This sequence change replaces tyrosine, which is neutral and polar, with phenylalanine, which is neutral and non-polar, at codon 1981 of the FAT4 protein (p.Tyr1981Phe).